The following is an entry in ClinVar:

NM_001252102.2(KIF21B):c.3244G>A (p.Glu1082Lys)

Gene: KIF21B (kinesin family member 21B; minus strand). Cytogenetic location: 1q32.1.
Variant type: single nucleotide variant.
Coding change: c.3244G>A on transcript NM_001252102.2 (MANE Select); coding-DNA position 3244, G replaced by A.
Protein change: p.Glu1082Lys; replaces glutamic acid 1082 with lysine.
Molecular consequence: missense variant.
Genome position (GRCh38, 1-based): chr1:200,988,820, C>T on the plus strand (G>A on the coding strand, the complement: KIF21B is on the minus strand). VCF-style: chr1-200988820-C-T. GRCh37 (hg19) VCF-style: chr1-200957948-C-T.
Other names: c.3244G>A, p.Glu1082Lys (NM_001252100.2, NM_001252103.2, NM_017596.4); short protein forms E1082K.
Identifiers: ClinVar variation 4874827 (VCV004874827.2).

ClinVar aggregate classification (germline): Uncertain significance (1 of 4 stars; one submission).

Submission:

CeGaT Center for Human Genetics Tuebingen
Classification: Uncertain significance. Last evaluated: 2026-05-01. Review status: criteria provided, single submitter. Criteria: CeGaT Center For Human Genetics Tuebingen Variant Classification Criteria Version 2. Collection method: clinical testing. Allele origin: germline. Affected: yes. Observed: 1 variant allele.
Comment: KIF21B: PM2